The following is an entry in ClinVar:

NM_000112.4(SLC26A2):c.1423T>C (p.Phe475Leu)

Gene: SLC26A2 (solute carrier family 26 member 2; plus strand). Cytogenetic location: 5q32.
Variant type: single nucleotide variant.
Coding change: c.1423T>C on transcript NM_000112.4 (MANE Select); coding-DNA position 1423, T replaced by C.
Protein change: p.Phe475Leu; replaces phenylalanine 475 with leucine.
Molecular consequence: missense variant.
Genome position (GRCh38, 1-based): chr5:149,981,016, T>C. VCF-style: chr5-149981016-T-C. GRCh37 (hg19) VCF-style: chr5-149360579-T-C.
Other names: short protein forms F475L.
Identifiers: ClinVar variation 2949871 (VCV002949871.3), dbSNP rs2480775976, ClinGen allele CA361707835.

ClinVar aggregate classification (germline): Uncertain significance (1 of 4 stars; one submission).

Conditions:
Atelosteogenesis type II (AO2). Also called: SLC26A2-Related Atelosteogenesis; NEONATAL OSSEOUS DYSPLASIA I; Neonatal osseous dysplasia 1. Identifiers: Orphanet 56304, MedGen C1850554, MONDO:0009727, OMIM 256050.
Diastrophic dysplasia (DTD). Also called: Diastrophic dwarfism. Identifiers: Orphanet 628, MedGen C0220726, MONDO:0009107, OMIM 222600.
Multiple epiphyseal dysplasia type 4 (EDM4). Also called: Multiple Epiphyseal Dysplasia, Recessive; MULTIPLE EPIPHYSEAL DYSPLASIA WITH BILAYERED PATELLAE; MULTIPLE EPIPHYSEAL DYSPLASIA WITH CLUBFOOT; MULTIPLE EPIPHYSEAL DYSPLASIA, AUTOSOMAL RECESSIVE; SLC26A2-Related Multiple Epiphyseal Dysplasia. Identifiers: Orphanet 93307, MedGen C1847593, MONDO:0009189, OMIM 226900.
Achondrogenesis, type IB (ACG1B). Also called: Achondrogenesis Type 1B. Identifiers: Orphanet 932, Orphanet 93298, MedGen C0265274, MONDO:0010966, OMIM 600972.

Submission:

Labcorp Genetics (formerly Invitae), Labcorp
Classification: Uncertain significance for Atelosteogenesis type II; Multiple epiphyseal dysplasia type 4; Achondrogenesis, type IB; Diastrophic dysplasia. Last evaluated: 2023-07-14. Review status: criteria provided, single submitter. Criteria: Invitae Variant Classification Sherloc (09022015). Collection method: clinical testing. Allele origin: germline.
Comment: This sequence change replaces phenylalanine, which is neutral and non-polar, with leucine, which is neutral and non-polar, at codon 475 of the SLC26A2 protein (p.Phe475Leu). In summary, the available evidence is currently insufficient to determine the role of this variant in disease. Therefore, it has been classified as a Variant of Uncertain Significance. Advanced modeling of protein sequence and biophysical properties (such as structural, functional, and spatial information, amino acid conservation, physicochemical variation, residue mobility, and thermodynamic stability) performed at Invitae indicates that this missense variant is not expected to disrupt SLC26A2 protein function. This variant has not been reported in the literature in individuals affected with SLC26A2-related conditions. This variant is not present in population databases (gnomAD no frequency).